The following is an entry in ClinVar:

ClinVar aggregate classification (germline): Likely benign (1 of 4 stars; one submission).

Submission:

GeneDx
Classification: Likely benign. Last evaluated: 2015-12-03. Review status: criteria provided, single submitter. Criteria: GeneDx Variant Classification (06012015). Collection method: clinical testing. Allele origin: germline. Affected: yes.
Comment: This variant is considered likely benign or benign based on one or more of the following criteria: it is a conservative change, it occurs at a poorly conserved position in the protein, it is predicted to be benign by multiple in silico algorithms, and/or has population frequency not consistent with disease.

NM_032975.4(DTNA):c.-127+12G>C

Gene: DTNA (dystrobrevin alpha; plus strand). Cytogenetic location: 18q12.1.
Variant type: single nucleotide variant.
Coding change: c.-127+12G>C on transcript NM_032975.4; 12 bases into the intron after 127 bases upstream of the start codon, G replaced by C.
Molecular consequence: intron variant.
Genome position (GRCh38, 1-based): chr18:34,493,526, G>C. VCF-style: chr18-34493526-G-C. GRCh37 (hg19) VCF-style: chr18-32073490-G-C.
Other names: c.-127+12G>C (NM_001386761.1, NM_001386762.1, NM_001386754.1 and 11 more transcripts).
Identifiers: ClinVar variation 382004 (VCV000382004.3), dbSNP rs1057521234, ClinGen allele CA16607576.